The following is an entry in ClinVar:

ClinVar aggregate classification (germline): Uncertain significance (1 of 4 stars; one submission).

Submission:

GeneDx
Classification: Uncertain significance. Last evaluated: 2023-04-27. Review status: criteria provided, single submitter. Criteria: GeneDx Variant Classification Process June 2021. Collection method: clinical testing. Allele origin: germline. Affected: yes.
Comment: Not observed at significant frequency in large population cohorts (gnomAD); In silico analysis supports that this missense variant has a deleterious effect on protein structure/function; Has not been previously published as pathogenic or benign to our knowledge

NM_016284.5(CNOT1):c.4117C>T (p.His1373Tyr)

Gene: CNOT1 (CCR4-NOT transcription complex subunit 1; minus strand). Cytogenetic location: 16q21.
Variant type: single nucleotide variant.
Coding change: c.4117C>T on transcript NM_016284.5 (MANE Select); coding-DNA position 4117, C replaced by T.
Protein change: p.His1373Tyr; replaces histidine 1373 with tyrosine.
Molecular consequence: missense variant. On other transcripts: non-coding transcript variant (1).
Genome position (GRCh38, 1-based): chr16:58,545,381, G>A on the plus strand (C>T on the coding strand, the complement: CNOT1 is on the minus strand). VCF-style: chr16-58545381-G-A. GRCh37 (hg19) VCF-style: chr16-58579285-G-A.
Other names: c.4102C>T, p.His1368Tyr (NM_001265612.2); c.4117C>T, p.His1373Tyr (NM_206999.3); short protein forms H1368Y, H1373Y.
Identifiers: ClinVar variation 2663559 (VCV002663559.1), dbSNP rs2543907407, ClinGen allele CA396170476.
Genomic context (GRCh38, chr16:58,545,381, plus strand): 5'-ACAAACTAGAAGCTGGGAGAATGGAGCAGTGTTTACTTACTGTTGGATTCAGAGTAATGT[G>A]TGGTGCCAAGCCCGCAAGGGAATAGACATTGATGTCGTGGTAGCTGTACTGTGGCTGTGG-3'
Protein context (NP_057368.3, residues 1363-1383): NVYSLAGLAP[His1373Tyr]ITLNPTIPLF